The following is an entry in ClinVar:

ClinVar aggregate classification (germline): Uncertain significance (1 of 4 stars; one submission).

Submission:

Labcorp Genetics (formerly Invitae), Labcorp
Classification: Uncertain significance. Last evaluated: 2024-05-15. Review status: criteria provided, single submitter. Criteria: Invitae Variant Classification Sherloc (09022015). Collection method: clinical testing. Allele origin: germline.
Comment: This sequence change replaces arginine, which is basic and polar, with histidine, which is basic and polar, at codon 1317 of the RERE protein (p.Arg1317His). The frequency data for this variant in the population databases is considered unreliable, as metrics indicate poor data quality at this position in the gnomAD database. This variant has not been reported in the literature in individuals affected with RERE-related conditions. Experimental studies and prediction algorithms are not available or were not evaluated, and the functional significance of this variant is currently unknown. In summary, the available evidence is currently insufficient to determine the role of this variant in disease. Therefore, it has been classified as a Variant of Uncertain Significance.

NM_001042681.2(RERE):c.3950_3951delinsAT (p.Arg1317His)

Gene: RERE (arginine-glutamic acid dipeptide repeats; minus strand). Cytogenetic location: 1p36.23.
Variant type: Indel.
Coding change: c.3950_3951delinsAT on transcript NM_001042681.2 (MANE Select); coding-DNA positions 3950 to 3951, GG replaced by AT.
Protein change: p.Arg1317His; replaces arginine 1317 with histidine.
Molecular consequence: missense variant.
Genome position (GRCh38, 1-based): chr1:8,358,584-8,358,585, CC replaced by AT on the plus strand (GG replaced by AT on the coding strand, the reverse complement: RERE is on the minus strand). VCF-style: chr1-8358584-CC-AT. GRCh37 (hg19) VCF-style: chr1-8418644-CC-AT.
Other names: c.2288_2289delinsAT, p.Arg763His (NM_001042682.2); c.3950_3951delinsAT, p.Arg1317His (NM_012102.4); short protein forms R1317H, R763H.
Identifiers: ClinVar variation 3607728 (VCV003607728.2).